The following is an entry in ClinVar:

NM_001034850.3(RETREG1):c.1321C>T (p.Pro441Ser)

Gene: RETREG1 (reticulophagy regulator 1; minus strand). Cytogenetic location: 5p15.1.
Variant type: single nucleotide variant.
Coding change: c.1321C>T on transcript NM_001034850.3 (MANE Select); coding-DNA position 1321, C replaced by T.
Protein change: p.Pro441Ser; replaces proline 441 with serine.
Molecular consequence: missense variant.
Genome position (GRCh38, 1-based): chr5:16,474,914, G>A on the plus strand (C>T on the coding strand, the complement: RETREG1 is on the minus strand). VCF-style: chr5-16474914-G-A. GRCh37 (hg19) VCF-style: chr5-16475023-G-A.
Other names: c.898C>T, p.Pro300Ser (NM_019000.5); short protein forms P441S, P300S.
Identifiers: ClinVar variation 843216 (VCV000843216.9), dbSNP rs909827415, ClinGen allele CA114754370.
Genomic context (GRCh38, chr5:16,474,914, plus strand): 5'-ACTGGTCAAGTAGTTCAAAGTCATCACCTTCTTCAGTGTCTGTGTCCTCTTCTGGGATGG[G>A]GGCAGCCTGAGAAAGTGCTTGCTGCACACCCTCTAACTGGTCTTTGATAGCTGCAGTCAC-3'
Protein context (NP_001030022.1, residues 431-451): GVQQALSQAA[Pro441Ser]IPEEDTDTEE

ClinVar aggregate classification (germline): Uncertain significance. Review status: criteria provided, multiple submitters, no conflicts (2 of 4 stars). 2 submissions from 2 submitters: Uncertain significance (2). Last evaluated 2025-05-21.

Conditions:
Inborn genetic diseases. Identifiers: MedGen C0950123, MeSH D030342.

Allele frequency attached by ClinVar (database versions not stated): gnomAD 0.00001; TOPMed 0.00001.
gnomAD v4.1: 5 of 1,613,612 alleles (0.00031%); highest among the groups gnomAD compares: South Asian, 0.0011%; no homozygotes.

Submissions (2):

Ambry Genetics
Classification: Uncertain significance for Inborn genetic diseases. Last evaluated: 2025-05-21. Review status: criteria provided, single submitter. Criteria: Ambry Variant Classification Scheme 2023. Collection method: clinical testing. Allele origin: germline.

Labcorp Genetics (formerly Invitae), Labcorp
Classification: Uncertain significance. Last evaluated: 2021-08-30. Review status: criteria provided, single submitter. Criteria: Invitae Variant Classification Sherloc (09022015). Collection method: clinical testing. Allele origin: germline.
Comment: This sequence change replaces proline with serine at codon 441 of the RETREG1 protein (p.Pro441Ser). The proline residue is moderately conserved and there is a moderate physicochemical difference between proline and serine. This variant is not present in population databases (ExAC no frequency). This variant has not been reported in the literature in individuals affected with RETREG1-related conditions. Algorithms developed to predict the effect of missense changes on protein structure and function (SIFT, PolyPhen-2, Align-GVGD) all suggest that this variant is likely to be tolerated. In summary, the available evidence is currently insufficient to determine the role of this variant in disease. Therefore, it has been classified as a Variant of Uncertain Significance.